The following is an entry in ClinVar:

ClinVar aggregate classification (germline): Uncertain significance (1 of 4 stars; one submission).

Conditions:
Cardiovascular phenotype. Identifiers: MedGen CN230736.
Hereditary cancer-predisposing syndrome. Also called: Neoplastic Syndromes, Hereditary; Tumor predisposition; Hereditary Cancer Syndrome; Hereditary neoplastic syndrome. Identifiers: Orphanet 140162, MedGen C0027672, MeSH D009386, MONDO:0015356.

Submission:

Ambry Genetics
Classification: Uncertain significance for Cardiovascular phenotype; Hereditary cancer-predisposing syndrome. Last evaluated: 2026-04-28. Review status: criteria provided, single submitter. Criteria: Ambry Variant Classification Scheme 2023. Collection method: clinical testing. Allele origin: germline.
Comment: The p.R210P variant (also known as c.629G>C), located in coding exon 7 of the LZTR1 gene, results from a G to C substitution at nucleotide position 629. The arginine at codon 210 is replaced by proline, an amino acid with dissimilar properties. This amino acid position is conserved. In addition, the in silico prediction for this alteration is inconclusive. Based on the available evidence, the clinical significance of this variant remains unclear.

NM_006767.4(LZTR1):c.629G>C (p.Arg210Pro)

Gene: LZTR1 (leucine zipper like post translational regulator 1; plus strand). Cytogenetic location: 22q11.21.
Variant type: single nucleotide variant.
Coding change: c.629G>C on transcript NM_006767.4 (MANE Select); coding-DNA position 629, G replaced by C.
Protein change: p.Arg210Pro; replaces arginine 210 with proline.
Molecular consequence: missense variant.
Genome position (GRCh38, 1-based): chr22:20,989,660, G>C. VCF-style: chr22-20989660-G-C. GRCh37 (hg19) VCF-style: chr22-21343949-G-C.
Other names: short protein forms R210P.
Identifiers: ClinVar variation 4859395 (VCV004859395.1).